The following is an entry in ClinVar:

NM_173728.4(ARHGEF15):c.985G>A (p.Gly329Arg)

Gene: ARHGEF15 (Rho guanine nucleotide exchange factor 15; plus strand). Cytogenetic location: 17p13.1.
Variant type: single nucleotide variant.
Coding change: c.985G>A on transcript NM_173728.4 (MANE Select); coding-DNA position 985, G replaced by A.
Protein change: p.Gly329Arg; replaces glycine 329 with arginine.
Molecular consequence: missense variant.
Genome position (GRCh38, 1-based): chr17:8,313,551, G>A. VCF-style: chr17-8313551-G-A. GRCh37 (hg19) VCF-style: chr17-8216869-G-A.
Other names: c.985G>A, p.Gly329Arg (NM_025014.2); short protein forms G329R.
Identifiers: ClinVar variation 1496346 (VCV001496346.7), dbSNP rs1370581711, ClinGen allele CA398018364.

ClinVar aggregate classification (germline): Uncertain significance (1 of 4 stars; one submission).

Conditions:
Early-infantile DEE. Also called: Early infantile epileptic encephalopathy; Early infantile epileptic encephalopathy with suppression bursts; Ohtahara syndrome. Identifiers: Orphanet 1934, MedGen C0393706, MONDO:0800491.

Submission:

Labcorp Genetics (formerly Invitae), Labcorp
Classification: Uncertain significance for Early-infantile DEE. Last evaluated: 2023-12-06. Review status: criteria provided, single submitter. Criteria: Invitae Variant Classification Sherloc (09022015). Collection method: clinical testing. Allele origin: germline.
Comment: This sequence change replaces glycine, which is neutral and non-polar, with arginine, which is basic and polar, at codon 329 of the ARHGEF15 protein (p.Gly329Arg). This variant is not present in population databases (gnomAD no frequency). This variant has not been reported in the literature in individuals affected with ARHGEF15-related conditions. ClinVar contains an entry for this variant (Variation ID: 1496346). An algorithm developed to predict the effect of missense changes on protein structure and function (PolyPhen-2) suggests that this variant is likely to be tolerated. In summary, the available evidence is currently insufficient to determine the role of this variant in disease. Therefore, it has been classified as a Variant of Uncertain Significance.